The following is an entry in ClinVar:

ClinVar aggregate classification (germline): Uncertain significance (1 of 4 stars; one submission).

Conditions:
TRIM32-related disorder. Also called: TRIM32-related condition.

Submission:

PreventionGenetics, part of Exact Sciences
Classification: Uncertain significance for TRIM32-related condition. Last evaluated: 2026-08-21. Review status: criteria provided, single submitter. Criteria: ACMG Guidelines, 2015. Collection method: clinical testing. Allele origin: germline.
Comment: The TRIM32 c.1816G>A variant is predicted to result in the amino acid substitution p.Gly606Arg. To our knowledge, this variant has not been reported in the literature or in a large population database (gnomAD), indicating this variant is rare. At this time, the clinical significance of this variant is uncertain due to the absence of conclusive functional and genetic evidence.

NM_012210.4(TRIM32):c.1816G>A (p.Gly606Arg)

Genes: ASTN2 (astrotactin 2; minus strand), TRIM32 (tripartite motif containing 32; plus strand). Cytogenetic location: 9q33.1.
Variant type: single nucleotide variant.
Coding change: c.1816G>A on transcript NM_012210.4 (MANE Select); coding-DNA position 1816, G replaced by A.
Protein change: p.Gly606Arg; replaces glycine 606 with arginine.
Molecular consequence: missense variant. On other transcripts: intron variant (3).
Genome position (GRCh38, 1-based): chr9:116,699,558, G>A. VCF-style: chr9-116699558-G-A. GRCh37 (hg19) VCF-style: chr9-119461837-G-A.
Other names: c.1816G>A, p.Gly606Arg (NM_001099679.2, NM_001379048.1, NM_001379049.1 and 1 more transcripts); c.2653+26213C>T (NM_014010.5); c.2794+26213C>T (NM_001365069.1); c.2806+26213C>T (NM_001365068.1); short protein forms G606R.
Identifiers: ClinVar variation 4987332 (VCV004987332.1).